The following is an entry in ClinVar:

NM_000535.7(PMS2):c.542A>T (p.Tyr181Phe)

Gene: PMS2 (PMS1 homolog 2, mismatch repair system component; minus strand). Cytogenetic location: 7p22.1.
Variant type: single nucleotide variant.
Coding change: c.542A>T on transcript NM_000535.7 (MANE Select); coding-DNA position 542, A replaced by T.
Protein change: p.Tyr181Phe; replaces tyrosine 181 with phenylalanine.
Molecular consequence: missense variant. On other transcripts: non-coding transcript variant (1), intron variant (3).
Genome position (GRCh38, 1-based): chr7:5,999,271, T>A on the plus strand (A>T on the coding strand, the complement: PMS2 is on the minus strand). VCF-style: chr7-5999271-T-A. GRCh37 (hg19) VCF-style: chr7-6038902-T-A.
Other names: c.137A>T, p.Tyr46Phe (NM_001322003.2, NM_001322004.2, NM_001322005.2 and 2 more transcripts); c.542A>T, p.Tyr181Phe (NM_001322006.2, NM_001322014.2); c.224A>T, p.Tyr75Phe (NM_001322007.2, NM_001322008.2); c.233A>T, p.Tyr78Phe (NM_001322015.2); c.133-1848A>T (NM_001322013.2); c.-347-45A>T (NM_001322012.2, NM_001322011.2); short protein forms Y181F, Y75F, Y78F, Y46F.
Identifiers: ClinVar variation 216460 (VCV000216460.10), dbSNP rs863224681, ClinGen allele CA336249.

ClinVar aggregate classification (germline): Uncertain significance. Review status: criteria provided, multiple submitters, no conflicts (2 of 4 stars). 2 submissions from 2 submitters: Uncertain significance (2). Last evaluated 2018-08-01.

Conditions:
Hereditary nonpolyposis colorectal neoplasms. Identifiers: MedGen C0009405, MeSH D003123.
Hereditary cancer-predisposing syndrome. Also called: Hereditary Cancer Syndrome; Hereditary neoplastic syndrome; Neoplastic Syndromes, Hereditary; Tumor predisposition. Identifiers: Orphanet 140162, MedGen C0027672, MeSH D009386, MONDO:0015356.

Submissions (2):

GeneKor MSA
Classification: Uncertain significance for Hereditary cancer-predisposing syndrome. Last evaluated: 2018-08-01. Review status: criteria provided, single submitter. Criteria: ACMG Guidelines, 2015. Collection method: clinical testing. Allele origin: germline. Affected: no.

Labcorp Genetics (formerly Invitae), Labcorp
Classification: Uncertain significance for Hereditary nonpolyposis colorectal neoplasms. Last evaluated: 2015-04-24. Review status: criteria provided, single submitter. Criteria: Invitae Variant Classification Sherloc (09022015). Collection method: clinical testing. Allele origin: germline.
Comment: In summary, this is a novel missense change that is not predicted to affect protein function or cause disease. However, the evidence is insufficient at this time to prove that conclusively. It has been classified as a Variant of Uncertain Significance. Algorithms developed to predict the effect of missense changes on protein structure and function (SIFT, PolyPhen-2, Align-GVGD) all suggest that this variant is likely to be tolerated, but these predictions have not been confirmed by published functional studies. The phenylalanine amino acid residue is found in multiple mammalian species, also suggesting that this missense change does not adversely affect protein function. This variant has not been published in the literature and is not present in population databases. This sequence change replaces tyrosine with phenylalanine at codon 181 of the PMS2 protein (p.Tyr181Phe). The tyrosine residue is weakly conserved and there is a small physicochemical difference between tyrosine and phenylalanine.